The following is an entry in ClinVar:

ClinVar aggregate classification (germline): Uncertain significance. Review status: criteria provided, multiple submitters, no conflicts (2 of 4 stars). 3 submissions from 3 submitters: Uncertain significance (3). Last evaluated 2024-12-16.

Conditions:
Primary ciliary dyskinesia. Also called: Ciliary dyskinesia. Identifiers: Orphanet 244, MedGen C0008780, MONDO:0016575, HP:0012265.

Allele frequency attached by ClinVar (database versions not stated): gnomAD exomes below 0.00001; gnomAD 0.00001; TOPMed 0.00002; ESP Exome Variant Server 0.00008.
gnomAD v4.1: 40 of 1,613,908 alleles (0.0025%); highest among the groups gnomAD compares: Non-Finnish European, 0.0031%; no homozygotes.

Submissions (3):

Ambry Genetics
Classification: Uncertain significance. Last evaluated: 2024-12-16. Review status: criteria provided, single submitter. Criteria: Ambry Variant Classification Scheme 2023. Collection method: clinical testing. Allele origin: germline.

Labcorp Genetics (formerly Invitae), Labcorp
Classification: Uncertain significance for Primary ciliary dyskinesia. Last evaluated: 2021-08-27. Review status: criteria provided, single submitter. Criteria: Invitae Variant Classification Sherloc (09022015). Collection method: clinical testing. Allele origin: germline.
Comment: This sequence change replaces isoleucine with leucine at codon 686 of the DNAH8 protein (p.Ile686Leu). The isoleucine residue is moderately conserved and there is a small physicochemical difference between isoleucine and leucine. This variant is not present in population databases (ExAC no frequency). This variant has not been reported in the literature in individuals affected with DNAH8-related conditions. Algorithms developed to predict the effect of missense changes on protein structure and function are either unavailable or do not agree on the potential impact of this missense change (SIFT: "Tolerated"; PolyPhen-2: "Not Available"; Align-GVGD: "Class C0"). In summary, the available evidence is currently insufficient to determine the role of this variant in disease. Therefore, it has been classified as a Variant of Uncertain Significance.

UNC Molecular Genetics  Laboratory, University of North Carolina at Chapel Hill
Classification: Uncertain significance for Primary ciliary dyskinesia. Last evaluated: 2019-12-12. Review status: criteria provided, single submitter. Criteria: ACMG Guidelines, 2015. Collection method: clinical testing. Allele origin: germline. Observed: 1 heterozygote.

NM_001206927.2(DNAH8):c.2056A>C (p.Ile686Leu)

Gene: DNAH8 (dynein axonemal heavy chain 8; plus strand). Cytogenetic location: 6p21.2.
Variant type: single nucleotide variant.
Coding change: c.2056A>C on transcript NM_001206927.2 (MANE Select); coding-DNA position 2056, A replaced by C.
Protein change: p.Ile686Leu; replaces isoleucine 686 with leucine.
Molecular consequence: missense variant.
Genome position (GRCh38, 1-based): chr6:38,779,982, A>C. VCF-style: chr6-38779982-A-C. GRCh37 (hg19) VCF-style: chr6-38747758-A-C.
Other names: c.1405A>C, p.Ile469Leu (NM_001371.4); short protein forms I469L, I686L.
Identifiers: ClinVar variation 841767 (VCV000841767.10), dbSNP rs376309134, ClinGen allele CA137569366.